The following is an entry in ClinVar:

ClinVar aggregate classification (germline): Likely benign. Review status: criteria provided, multiple submitters, no conflicts (2 of 4 stars). 2 submissions from 2 submitters: Likely benign (2). Last evaluated 2026-06-01.

Conditions:
Gastrointestinal stromal tumor. Also called: Gastrointestinal stroma tumor; Gastrointestinal stromal tumor, somatic. Identifiers: Orphanet 44890, MedGen C0238198, MeSH D046152, MONDO:0011719, OMIM 606764, HP:0100723.

Allele frequency attached by ClinVar (database versions not stated): 1000 Genomes Project 30x 0.00016; 1000 Genomes Project 0.00020.
gnomAD v4.1: 3 of 1,584,844 alleles (0.00019%); highest among the groups gnomAD compares: East Asian, 0.0045%; no homozygotes.

Submissions (2):

Myriad Genetics, Inc.
Classification: Likely benign for Gastrointestinal stromal tumor. Last evaluated: 2026-06-01. Review status: criteria provided, single submitter. Criteria: Myriad Autosomal Dominant, Autosomal Recessive and X-Linked Classification Criteria (2023). Collection method: clinical testing. Allele origin: unknown.
Comment: This variant is considered likely benign. This variant is intronic and is not expected to impact mRNA splicing.

Labcorp Genetics (formerly Invitae), Labcorp
Classification: Likely benign for Gastrointestinal stromal tumor. Last evaluated: 2025-04-07. Review status: criteria provided, single submitter. Criteria: Invitae Variant Classification Sherloc (09022015). Collection method: clinical testing. Allele origin: germline.

NM_000222.3(KIT):c.2485-9C>T

Gene: KIT (KIT proto-oncogene, receptor tyrosine kinase; plus strand). Cytogenetic location: 4q12.
Variant type: single nucleotide variant.
Coding change: c.2485-9C>T on transcript NM_000222.3 (MANE Select); 9 bases into the intron before coding-DNA position 2485, C replaced by T.
Molecular consequence: intron variant.
Genome position (GRCh38, 1-based): chr4:54,736,489, C>T. VCF-style: chr4-54736489-C-T. GRCh37 (hg19) VCF-style: chr4-55602655-C-T.
Other names: c.2470-9C>T (NM_001385286.1); c.2488-9C>T (NM_001385284.1); c.2485-9C>T (NM_001385290.1); c.2476-9C>T (NM_001385288.1); c.2473-9C>T (NM_001385292.1, NM_001093772.2); c.2482-9C>T (NM_001385285.1).
Identifiers: ClinVar variation 1126335 (VCV001126335.10), dbSNP rs576739697, ClinGen allele CA2923782.